The following is an entry in ClinVar:

ClinVar aggregate classification (germline): Conflicting classifications of pathogenicity. Review status: criteria provided, conflicting classifications (1 of 4 stars). 3 submissions from 3 submitters: Uncertain significance (2); Benign (1). Last evaluated 2026-04-07.

Conditions:
Progressive myoclonic epilepsy type 9. Identifiers: Orphanet 457265, MedGen C4225289, MONDO:0014685, OMIM 616540.
Lipodystrophy, partial, acquired, susceptibility to (APLD). Also called: APLD, SUSCEPTIBILITY TO. Identifiers: MedGen C3887501, MONDO:0100476, OMIM 608709.

Allele frequency attached by ClinVar (database versions not stated): ExAC 0.00014; gnomAD exomes 0.00014 and 0.00017; ESP Exome Variant Server 0.00015; TOPMed 0.00022; gnomAD 0.00025.
gnomAD v4.1: 275 of 1,602,770 alleles (0.017%); highest among the groups gnomAD compares: Non-Finnish European, 0.022%; 1 homozygote.

Submissions (3):

Women's Health and Genetics/Laboratory Corporation of America, LabCorp
Classification: Uncertain significance. Last evaluated: 2026-04-07. Review status: criteria provided, single submitter. Criteria: LabCorp Variant Classification Summary - May 2015. Collection method: clinical testing. Allele origin: germline.
Comment: Variant summary: LMNB2 c.700C>T (p.Arg234Trp) results in a non-conservative amino acid change in the encoded protein sequence. Algorithms developed to predict the effect of missense changes on protein structure and function all suggest that this variant is likely to be disruptive. The variant allele was found at a frequency of 0.00014 in 235148 control chromosomes (gnomAD). This frequency is not significantly higher than estimated for disease-causing variants in LMNB2, allowing no conclusion about variant significance. c.700C>T has been observed in one individual affected with lipodystrophies (Varlet_2021). The report does not provide unequivocal conclusions about association of the variant with LMNB2-Related Disorders. To our knowledge, no experimental evidence demonstrating an impact on protein function has been reported. The following publication have been ascertained in the context of this evaluation (PMID: 35011612). ClinVar contains an entry for this variant (Variation ID: 542428). Based on the evidence outlined above, the variant was classified as uncertain significance.

CeGaT Center for Human Genetics Tuebingen
Classification: Uncertain significance. Last evaluated: 2026-04-01. Review status: criteria provided, single submitter. Criteria: CeGaT Center For Human Genetics Tuebingen Variant Classification Criteria Version 2. Collection method: clinical testing. Allele origin: germline. Affected: yes. Observed: 3 variant alleles.

Labcorp Genetics (formerly Invitae), Labcorp
Classification: Benign for Progressive myoclonic epilepsy type 9; Lipodystrophy, partial, acquired, susceptibility to. Last evaluated: 2026-01-12. Review status: criteria provided, single submitter. Criteria: Invitae Variant Classification Sherloc (09022015). Collection method: clinical testing. Allele origin: germline.

Literature cited by the submitters: PubMed 35011612 (cited by Women's Health and Genetics/Laboratory Corporation of America, LabCorp).

NM_032737.4(LMNB2):c.700C>T (p.Arg234Trp)

Gene: LMNB2 (lamin B2; minus strand). Cytogenetic location: 19p13.3.
Variant type: single nucleotide variant.
Coding change: c.700C>T on transcript NM_032737.4 (MANE Select); coding-DNA position 700, C replaced by T.
Protein change: p.Arg234Trp; replaces arginine 234 with tryptophan.
Molecular consequence: missense variant.
Genome position (GRCh38, 1-based): chr19:2,435,156, G>A on the plus strand (C>T on the coding strand, the complement: LMNB2 is on the minus strand). VCF-style: chr19-2435156-G-A. GRCh37 (hg19) VCF-style: chr19-2435154-G-A.
Other names: short protein forms R234W.
Identifiers: ClinVar variation 542428 (VCV000542428.45), dbSNP rs148936043, ClinGen allele CA9067792.
Genomic context (GRCh38, chr19:2,435,156, plus strand): 5'-AGTCGTACTCCTGCTGCCGGCTGCTGTCCACCTCCACCAGGCGCCGCTCGTGCCGCCGCC[G>A]CGTCTCCCGCACCTCCTGCGGACCAAGGCTTCGTGACCCTCTGGTCCCGCCTGGGCCCCA-3'
Protein context (NP_116126.3, residues 224-244): SVFEEEVRET[Arg234Trp]RRHERRLVEV